The following is an entry in ClinVar:

ClinVar aggregate classification (germline): Uncertain significance (1 of 4 stars; one submission).

gnomAD v4.1: 7 of 1,607,842 alleles (0.00044%); highest among the groups gnomAD compares: South Asian, 0.0011%; no homozygotes.

Submission:

Labcorp Genetics (formerly Invitae), Labcorp
Classification: Uncertain significance. Last evaluated: 2024-12-17. Review status: criteria provided, single submitter. Criteria: Invitae Variant Classification Sherloc (09022015). Collection method: clinical testing. Allele origin: germline.
Comment: This sequence change replaces proline, which is neutral and non-polar, with serine, which is neutral and polar, at codon 1357 of the KMT2E protein (p.Pro1357Ser). This variant is present in population databases (no rsID available, gnomAD 0.01%). This variant has not been reported in the literature in individuals affected with KMT2E-related conditions. An algorithm developed to predict the effect of missense changes on protein structure and function outputs the following: PolyPhen-2: "Benign". The serine amino acid residue is found in multiple mammalian species, which suggests that this missense change does not adversely affect protein function. In summary, the available evidence is currently insufficient to determine the role of this variant in disease. Therefore, it has been classified as a Variant of Uncertain Significance.

NM_182931.3(KMT2E):c.4069C>T (p.Pro1357Ser)

Gene: KMT2E (lysine methyltransferase 2E (inactive); plus strand). Cytogenetic location: 7q22.3.
Variant type: single nucleotide variant.
Coding change: c.4069C>T on transcript NM_182931.3 (MANE Select); coding-DNA position 4069, C replaced by T.
Protein change: p.Pro1357Ser; replaces proline 1357 with serine.
Molecular consequence: missense variant.
Genome position (GRCh38, 1-based): chr7:105,111,825, C>T. VCF-style: chr7-105111825-C-T. GRCh37 (hg19) VCF-style: chr7-104752272-C-T.
Other names: c.3943C>T, p.Pro1315Ser (NM_001410908.1); c.4069C>T, p.Pro1357Ser (NM_018682.4); short protein forms P1357S, P1315S.
Identifiers: ClinVar variation 3675768 (VCV003675768.1).